The following is an entry in ClinVar:

ClinVar aggregate classification (germline): Uncertain significance (1 of 4 stars; one submission).

Allele frequency attached by ClinVar (database versions not stated): gnomAD exomes below 0.00001; ExAC 0.00001.
gnomAD v4.1: 4 of 1,613,880 alleles (0.00025%); highest among the groups gnomAD compares: Non-Finnish European, 0.00034%; no homozygotes.

Submission:

GeneDx
Classification: Uncertain significance. Last evaluated: 2014-01-06. Review status: criteria provided, single submitter. Criteria: GeneDx Variant Classification (06012015). Collection method: clinical testing. Allele origin: germline. Affected: yes.
Comment: p.Lys129Asn (AAA>AAC): c.387 A>C in exon 4 of the SUCLA2 gene (NM_003850.2) A variant of unknown significance has been identified in the SUCLA2 gene. The K129N missense substitution has not been published as a mutation, nor has it been reported as a benign polymorphism to our knowledge. The amino acid substitution is semi-conservative as a positively charged Lysine residue is replaced by an uncharged Asparagine residue and in silico analysis predicts K129N is likely damaging to the structure/function of the SUCLA2 protein. K129N alters a position that is conserved in mammals; however, this region of the protein is highly variable and both Lysine and Asparagine are predicted to be tolerated at this position. Therefore, based on the currently available information, it is unclear whether K129N is a disease-causing mutation or a rare benign variant. The variant is found in MITONUC-MITOP panel(s).

NM_003850.3(SUCLA2):c.387A>C (p.Lys129Asn)

Gene: SUCLA2 (succinate-CoA ligase ADP-forming subunit beta; minus strand). Cytogenetic location: 13q14.2.
Variant type: single nucleotide variant.
Coding change: c.387A>C on transcript NM_003850.3 (MANE Select); coding-DNA position 387, A replaced by C.
Protein change: p.Lys129Asn; replaces lysine 129 with asparagine.
Molecular consequence: missense variant.
Genome position (GRCh38, 1-based): chr13:47,988,688, T>G on the plus strand (A>C on the coding strand, the complement: SUCLA2 is on the minus strand). VCF-style: chr13-47988688-T-G. GRCh37 (hg19) VCF-style: chr13-48562823-T-G.
Other names: p.K129N:AAA>AAC; short protein forms K129N.
Identifiers: ClinVar variation 203953 (VCV000203953.2), dbSNP rs760435152, ClinGen allele CA313014.